The following is an entry in ClinVar:

NM_001370466.1(NOD2):c.884T>G (p.Phe295Cys)

Gene: NOD2 (nucleotide binding oligomerization domain containing 2; plus strand). Cytogenetic location: 16q12.1.
Variant type: single nucleotide variant.
Coding change: c.884T>G on transcript NM_001370466.1 (MANE Select); coding-DNA position 884, T replaced by G.
Protein change: p.Phe295Cys; replaces phenylalanine 295 with cysteine.
Molecular consequence: missense variant. On other transcripts: non-coding transcript variant (1).
Genome position (GRCh38, 1-based): chr16:50,710,876, T>G. VCF-style: chr16-50710876-T-G. GRCh37 (hg19) VCF-style: chr16-50744787-T-G.
Other names: p.Phe322Cys; c.884T>G, p.Phe295Cys (NM_001293557.2); c.965T>G, p.Phe322Cys (NM_022162.3); short protein forms F322C, F295C.
Identifiers: ClinVar variation 4542029 (VCV004542029.1).

ClinVar aggregate classification (germline): Uncertain significance (1 of 4 stars; one submission).

Submission:

Mayo Clinic Laboratories, Mayo Clinic
Classification: Uncertain significance. Last evaluated: 2025-10-27. Review status: criteria provided, single submitter. Criteria: ACMG Guidelines, 2015. Collection method: clinical testing. Allele origin: germline. Observed: 1 variant allele.
Comment: PM2_supporting